The following is an entry in ClinVar:

ClinVar aggregate classification (germline): Uncertain significance. Review status: criteria provided, multiple submitters, no conflicts (2 of 4 stars). 3 submissions from 3 submitters: Uncertain significance (3). Last evaluated 2024-08-12.

Conditions:
Gastrointestinal stromal tumor. Also called: Gastrointestinal stroma tumor; Gastrointestinal stromal tumor, somatic. Identifiers: Orphanet 44890, MedGen C0238198, MeSH D046152, MONDO:0011719, OMIM 606764, HP:0100723.
Polyps, multiple and recurrent inflammatory fibroid, gastrointestinal. Identifiers: MedGen C5193005, MONDO:0008285, OMIM 175510.
Hereditary cancer-predisposing syndrome. Also called: Tumor predisposition; Hereditary Cancer Syndrome; Hereditary neoplastic syndrome; Neoplastic Syndromes, Hereditary. Identifiers: Orphanet 140162, MedGen C0027672, MeSH D009386, MONDO:0015356.

Allele frequency attached by ClinVar (database versions not stated): gnomAD exomes below 0.00001; ExAC 0.00001; gnomAD 0.00001; TOPMed 0.00001.
gnomAD v4.1: 2 of 1,613,628 alleles (0.00012%); highest among the groups gnomAD compares: African/African-American, 0.0027%; no homozygotes.

Submissions (3):

Ambry Genetics
Classification: Uncertain significance for Hereditary cancer-predisposing syndrome. Last evaluated: 2024-08-12. Review status: criteria provided, single submitter. Criteria: Ambry Variant Classification Scheme 2023. Collection method: clinical testing. Allele origin: germline.
Comment: The p.H654Q variant (also known as c.1962T>A), located in coding exon 13 of the PDGFRA gene, results from a T to A substitution at nucleotide position 1962. The histidine at codon 654 is replaced by glutamine, an amino acid with highly similar properties. This amino acid position is conserved. In addition, this alteration is predicted to be deleterious by in silico analysis. Since supporting evidence is limited at this time, the clinical significance of this alteration remains unclear.

Labcorp Genetics (formerly Invitae), Labcorp
Classification: Uncertain significance for Gastrointestinal stromal tumor. Last evaluated: 2023-09-13. Review status: criteria provided, single submitter. Criteria: Invitae Variant Classification Sherloc (09022015). Collection method: clinical testing. Allele origin: germline.
Comment: In summary, the available evidence is currently insufficient to determine the role of this variant in disease. Therefore, it has been classified as a Variant of Uncertain Significance. This variant is present in population databases (rs745658205, gnomAD 0.007%). This variant has not been reported in the literature in individuals affected with PDGFRA-related conditions. ClinVar contains an entry for this variant (Variation ID: 1379958). Advanced modeling of protein sequence and biophysical properties (such as structural, functional, and spatial information, amino acid conservation, physicochemical variation, residue mobility, and thermodynamic stability) performed at Invitae indicates that this missense variant is expected to disrupt PDGFRA protein function. This sequence change replaces histidine, which is basic and polar, with glutamine, which is neutral and polar, at codon 654 of the PDGFRA protein (p.His654Gln).

Baylor Genetics
Classification: Uncertain significance for Polyps, multiple and recurrent inflammatory fibroid, gastrointestinal. Last evaluated: 2023-07-15. Review status: criteria provided, single submitter. Criteria: ACMG Guidelines, 2015. Collection method: clinical testing. Allele origin: unknown.

NM_006206.6(PDGFRA):c.1962T>A (p.His654Gln)

Gene: PDGFRA (platelet derived growth factor receptor alpha; plus strand). Cytogenetic location: 4q12.
Variant type: single nucleotide variant.
Coding change: c.1962T>A on transcript NM_006206.6 (MANE Select); coding-DNA position 1962, T replaced by A.
Protein change: p.His654Gln; replaces histidine 654 with glutamine.
Molecular consequence: missense variant.
Genome position (GRCh38, 1-based): chr4:54,277,966, T>A. VCF-style: chr4-54277966-T-A. GRCh37 (hg19) VCF-style: chr4-55144133-T-A.
Other names: c.1962T>A, p.His654Gln (NM_001347827.2, NM_001347829.2); c.2037T>A, p.His679Gln (NM_001347828.2); c.2001T>A, p.His667Gln (NM_001347830.2); short protein forms H654Q, H667Q, H679Q.
Identifiers: ClinVar variation 1379958 (VCV001379958.12), dbSNP rs745658205, ClinGen allele CA2922715.